The following is an entry in ClinVar:

NM_000334.4(SCN4A):c.4018-3C>T

Genes: GH-LCR (growth hormone locus control region; plus strand), SCN4A (sodium voltage-gated channel alpha subunit 4; minus strand). Cytogenetic location: 17q23.3.
Variant type: single nucleotide variant.
Coding change: c.4018-3C>T on transcript NM_000334.4 (MANE Select); 3 bases into the intron before coding-DNA position 4018, C replaced by T.
Molecular consequence: intron variant.
Genome position (GRCh38, 1-based): chr17:63,943,099, G>A on the plus strand (C>T on the coding strand, the complement: SCN4A is on the minus strand). VCF-style: chr17-63943099-G-A. GRCh37 (hg19) VCF-style: chr17-62020459-G-A.
Identifiers: ClinVar variation 2848301 (VCV002848301.4), dbSNP rs1039601897, ClinGen allele CA292958364.

ClinVar aggregate classification (germline): Uncertain significance. Review status: criteria provided, multiple submitters, no conflicts (2 of 4 stars). 2 submissions from 2 submitters: Uncertain significance (2). Last evaluated 2023-12-22.

Conditions:
Hyperkalemic periodic paralysis. Also called: Familial hyperkalemic periodic paralysis; Gamstorp disease. Identifiers: Orphanet 682, MedGen C0238357, MONDO:0008224, OMIM 170500, HP:0007215.

Allele frequency attached by ClinVar (database versions not stated): gnomAD exomes below 0.00001; gnomAD 0.00001; TOPMed 0.00002.
gnomAD v4.1: 7 of 1,607,786 alleles (0.00044%); highest among the groups gnomAD compares: Non-Finnish European, 0.0006%; no homozygotes.

Submissions (2):

Labcorp Genetics (formerly Invitae), Labcorp
Classification: Uncertain significance for Hyperkalemic periodic paralysis. Last evaluated: 2023-12-22. Review status: criteria provided, single submitter. Criteria: Invitae Variant Classification Sherloc (09022015). Collection method: clinical testing. Allele origin: germline.
Comment: This sequence change falls in intron 22 of the SCN4A gene. It does not directly change the encoded amino acid sequence of the SCN4A protein. It affects a nucleotide within the consensus splice site. This variant is not present in population databases (gnomAD no frequency). This variant has not been reported in the literature in individuals affected with SCN4A-related conditions. Variants that disrupt the consensus splice site are a relatively common cause of aberrant splicing (PMID: 17576681, 9536098). Algorithms developed to predict the effect of sequence changes on RNA splicing suggest that this variant is not likely to affect RNA splicing. In summary, the available evidence is currently insufficient to determine the role of this variant in disease. Therefore, it has been classified as a Variant of Uncertain Significance.

Blueprint Genetics
Classification: Uncertain significance. Last evaluated: 2021-06-29. Review status: criteria provided, single submitter. Criteria: ACMG Guidelines, 2015. Collection method: clinical testing. Allele origin: germline.

Literature cited by the submitters: PubMed 17576681 (cited by Labcorp Genetics (formerly Invitae), Labcorp); PubMed 9536098 (cited by Labcorp Genetics (formerly Invitae), Labcorp).